The following is an entry in ClinVar:

ClinVar aggregate classification (germline): Uncertain significance (1 of 4 stars; one submission).

gnomAD v4.1: 6 of 1,445,830 alleles (0.00041%); highest among the groups gnomAD compares: Non-Finnish European, 0.00055%; no homozygotes.

Submission:

Labcorp Genetics (formerly Invitae), Labcorp
Classification: Uncertain significance. Last evaluated: 2024-10-30. Review status: criteria provided, single submitter. Criteria: Invitae Variant Classification Sherloc (09022015). Collection method: clinical testing. Allele origin: germline.
Comment: This sequence change replaces leucine, which is neutral and non-polar, with valine, which is neutral and non-polar, at codon 33 of the MRPS34 protein (p.Leu33Val). This variant is not present in population databases (gnomAD no frequency). This variant has not been reported in the literature in individuals affected with MRPS34-related conditions. ClinVar contains an entry for this variant (Variation ID: 2884434). An algorithm developed to predict the effect of missense changes on protein structure and function (PolyPhen-2) suggests that this variant is likely to be tolerated. In summary, the available evidence is currently insufficient to determine the role of this variant in disease. Therefore, it has been classified as a Variant of Uncertain Significance.

NM_023936.2(MRPS34):c.97C>G (p.Leu33Val)

Genes: EME2 (essential meiotic structure-specific endonuclease subunit 2; plus strand), MRPS34 (mitochondrial ribosomal protein S34; minus strand). Cytogenetic location: 16p13.3.
Variant type: single nucleotide variant.
Coding change: c.97C>G on transcript NM_023936.2 (MANE Select); coding-DNA position 97, C replaced by G.
Protein change: p.Leu33Val; replaces leucine 33 with valine.
Molecular consequence: missense variant. On other transcripts: 5 prime UTR variant (1).
Genome position (GRCh38, 1-based): chr16:1,773,023, G>C on the plus strand (C>G on the coding strand, the complement: MRPS34 is on the minus strand). VCF-style: chr16-1773023-G-C. GRCh37 (hg19) VCF-style: chr16-1823024-G-C.
Other names: c.-205G>C (NM_001257370.2); c.97C>G, p.Leu33Val (NM_001300900.2); short protein forms L33V.
Identifiers: ClinVar variation 2884434 (VCV002884434.3), dbSNP rs11552431, ClinGen allele CA394244344.